The following is an entry in ClinVar:

NM_001166114.2(PNPLA6):c.1705G>A (p.Gly569Arg)

Gene: PNPLA6 (patatin like domain 6, lysophospholipase; plus strand). Cytogenetic location: 19p13.2.
Variant type: single nucleotide variant.
Coding change: c.1705G>A on transcript NM_001166114.2 (MANE Select); coding-DNA position 1705, G replaced by A.
Protein change: p.Gly569Arg; replaces glycine 569 with arginine.
Molecular consequence: missense variant.
Genome position (GRCh38, 1-based): chr19:7,550,003, G>A. VCF-style: chr19-7550003-G-A. GRCh37 (hg19) VCF-style: chr19-7614889-G-A.
Other names: c.1732G>A, p.Gly578Arg (NM_001166111.2); c.1510G>A, p.Gly504Arg (NM_001166112.2); c.1588G>A, p.Gly530Arg (NM_001166113.1, NM_006702.5); short protein forms G504R, G530R, G569R, G578R.
Identifiers: ClinVar variation 1916269 (VCV001916269.5), dbSNP rs587777615, ClinGen allele CA403119787.

ClinVar aggregate classification (germline): Uncertain significance (1 of 4 stars; one submission).

Conditions:
Hereditary spastic paraplegia 39 (SPG39). Also called: SPASTIC PARAPLEGIA 39, AUTOSOMAL RECESSIVE; Spastic Paraplegia Type 39 (SPG39). Identifiers: Orphanet 139480, MedGen C2677586, MONDO:0012787, OMIM 612020.

Allele frequency attached by ClinVar (database versions not stated): gnomAD exomes below 0.00001.
gnomAD v4.1: 1 of 1,614,032 alleles (0.000062%); highest among the groups gnomAD compares: Non-Finnish European, 0.000085%; no homozygotes.

Submission:

Labcorp Genetics (formerly Invitae), Labcorp
Classification: Uncertain significance for Hereditary spastic paraplegia 39. Last evaluated: 2022-03-21. Review status: criteria provided, single submitter. Criteria: Invitae Variant Classification Sherloc (09022015). Collection method: clinical testing. Allele origin: germline.
Comment: This sequence change replaces glycine, which is neutral and non-polar, with arginine, which is basic and polar, at codon 530 of the PNPLA6 protein (p.Gly530Arg). This variant is not present in population databases (gnomAD no frequency). This variant has not been reported in the literature in individuals affected with PNPLA6-related conditions. Algorithms developed to predict the effect of missense changes on protein structure and function are either unavailable or do not agree on the potential impact of this missense change (SIFT: "Tolerated"; PolyPhen-2: "Probably Damaging"; Align-GVGD: "Class C0"). In summary, the available evidence is currently insufficient to determine the role of this variant in disease. Therefore, it has been classified as a Variant of Uncertain Significance.